The following is an entry in ClinVar:

NM_002645.4(PIK3C2A):c.2101G>T (p.Val701Leu)

Gene: PIK3C2A (phosphatidylinositol-4-phosphate 3-kinase catalytic subunit type 2 alpha; minus strand). Cytogenetic location: 11p15.1.
Variant type: single nucleotide variant.
Coding change: c.2101G>T on transcript NM_002645.4 (MANE Select); coding-DNA position 2101, G replaced by T.
Protein change: p.Val701Leu; replaces valine 701 with leucine.
Molecular consequence: missense variant.
Genome position (GRCh38, 1-based): chr11:17,134,826, C>A on the plus strand (G>T on the coding strand, the complement: PIK3C2A is on the minus strand). VCF-style: chr11-17134826-C-A. GRCh37 (hg19) VCF-style: chr11-17156373-C-A.
Other names: c.2101G>T, p.Val701Leu (NM_001321378.2, NM_001386870.1); c.961G>T, p.Val321Leu (NM_001321380.2); short protein forms V321L, V701L.
Identifiers: ClinVar variation 2880284 (VCV002880284.3), dbSNP rs1001162503, ClinGen allele CA218395677.

ClinVar aggregate classification (germline): Uncertain significance (1 of 4 stars; one submission).

Allele frequency attached by ClinVar (database versions not stated): gnomAD exomes below 0.00001; gnomAD 0.00001; TOPMed 0.00003.
gnomAD v4.1: 6 of 1,611,692 alleles (0.00037%); highest among the groups gnomAD compares: Middle Eastern, 0.016%; no homozygotes.

Submission:

Labcorp Genetics (formerly Invitae), Labcorp
Classification: Uncertain significance. Last evaluated: 2024-04-30. Review status: criteria provided, single submitter. Criteria: Invitae Variant Classification Sherloc (09022015). Collection method: clinical testing. Allele origin: germline.
Comment: This sequence change replaces valine, which is neutral and non-polar, with leucine, which is neutral and non-polar, at codon 701 of the PIK3C2A protein (p.Val701Leu). This variant is present in population databases (no rsID available, gnomAD 0.007%). This variant has not been reported in the literature in individuals affected with PIK3C2A-related conditions. An algorithm developed to predict the effect of missense changes on protein structure and function (PolyPhen-2) suggests that this variant is likely to be tolerated. In summary, the available evidence is currently insufficient to determine the role of this variant in disease. Therefore, it has been classified as a Variant of Uncertain Significance.